The following is an entry in ClinVar:

ClinVar aggregate classification (germline): Uncertain significance (1 of 4 stars; one submission).

Conditions:
Spastic ataxia 2. Also called: Ataxia, spastic, 2, autosomal recessive. Identifiers: Orphanet 397946, MedGen C1969796, MONDO:0012651, OMIM 611302.

Allele frequency attached by ClinVar (database versions not stated): gnomAD exomes below 0.00001.

Submission:

Labcorp Genetics (formerly Invitae), Labcorp
Classification: Uncertain significance for Spastic ataxia 2. Last evaluated: 2022-06-18. Review status: criteria provided, single submitter. Criteria: Invitae Variant Classification Sherloc (09022015). Collection method: clinical testing. Allele origin: germline.
Comment: In summary, the available evidence is currently insufficient to determine the role of this variant in disease. Therefore, it has been classified as a Variant of Uncertain Significance. Algorithms developed to predict the effect of missense changes on protein structure and function (SIFT, PolyPhen-2, Align-GVGD) all suggest that this variant is likely to be disruptive. This variant has not been reported in the literature in individuals affected with KIF1C-related conditions. This variant is not present in population databases (gnomAD no frequency). This sequence change replaces aspartic acid, which is acidic and polar, with glycine, which is neutral and non-polar, at codon 248 of the KIF1C protein (p.Asp248Gly).

NM_006612.6(KIF1C):c.743A>G (p.Asp248Gly)

Genes: KIF1C (kinesin family member 1C; plus strand), LOC126862472 (CDK7 strongly-dependent group 2 enhancer GRCh37_chr17:4906716-4907915; plus strand). Cytogenetic location: 17p13.2.
Variant type: single nucleotide variant.
Coding change: c.743A>G on transcript NM_006612.6 (MANE Select); coding-DNA position 743, A replaced by G.
Protein change: p.Asp248Gly; replaces aspartic acid 248 with glycine.
Molecular consequence: missense variant.
Genome position (GRCh38, 1-based): chr17:5,003,634, A>G. VCF-style: chr17-5003634-A-G. GRCh37 (hg19) VCF-style: chr17-4906929-A-G.
Other names: short protein forms D248G.
Identifiers: ClinVar variation 2003347 (VCV002003347.4), dbSNP rs2508146864, ClinGen allele CA397347239.
Genomic context (GRCh38, chr17:5,003,634, plus strand): 5'-CCCGCACCTTATCTCCTGCCTGTTTCCTCTGACCCCAGGTCAGTAAGATCAGTTTGGTGG[A>G]CCTTGCTGGGAGTGAGCGAGCCGACTCCTCAGGGGCCCGGGGCATGCGCCTGAAGGTGAG-3'
Protein context (NP_006603.2, residues 238-258): SEKVSKISLV[Asp248Gly]LAGSERADSS